The following is an entry in ClinVar:

ClinVar aggregate classification (germline): Uncertain significance (1 of 4 stars; one submission).

gnomAD v4.1: 4 of 1,613,522 alleles (0.00025%); highest among the groups gnomAD compares: Non-Finnish European, 0.00034%; 1 homozygote.

Submission:

Mayo Clinic Laboratories, Mayo Clinic
Classification: Uncertain significance. Last evaluated: 2025-06-18. Review status: criteria provided, single submitter. Criteria: ACMG Guidelines, 2015. Collection method: clinical testing. Allele origin: germline. Observed: 1 variant allele.
Comment: BP4_moderate

NM_012233.3(RAB3GAP1):c.2720T>C (p.Met907Thr)

Gene: RAB3GAP1 (RAB3 GTPase activating protein catalytic subunit 1; plus strand). Cytogenetic location: 2q21.3.
Variant type: single nucleotide variant.
Coding change: c.2720T>C on transcript NM_012233.3 (MANE Select); coding-DNA position 2720, T replaced by C.
Protein change: p.Met907Thr; replaces methionine 907 with threonine.
Molecular consequence: missense variant.
Genome position (GRCh38, 1-based): chr2:135,168,555, T>C. VCF-style: chr2-135168555-T-C. GRCh37 (hg19) VCF-style: chr2-135926125-T-C.
Other names: p.Met907Thr; c.2741T>C, p.Met914Thr (NM_001172435.2); short protein forms M907T, M914T.
Identifiers: ClinVar variation 4540680 (VCV004540680.1).